The following is an entry in ClinVar:

NM_181503.3(EXOSC8):c.484A>G (p.Asn162Asp)

Gene: EXOSC8 (exosome component 8; plus strand). Cytogenetic location: 13q13.3.
Variant type: single nucleotide variant.
Coding change: c.484A>G on transcript NM_181503.3 (MANE Select); coding-DNA position 484, A replaced by G.
Protein change: p.Asn162Asp; replaces asparagine 162 with aspartic acid.
Molecular consequence: missense variant.
Genome position (GRCh38, 1-based): chr13:37,007,068, A>G. VCF-style: chr13-37007068-A-G. GRCh37 (hg19) VCF-style: chr13-37581205-A-G.
Other names: short protein forms N162D.
Identifiers: ClinVar variation 2100067 (VCV002100067.4), dbSNP rs2501611438, ClinGen allele CA387869372.

ClinVar aggregate classification (germline): Uncertain significance (1 of 4 stars; one submission).

Submission:

Labcorp Genetics (formerly Invitae), Labcorp
Classification: Uncertain significance. Last evaluated: 2022-10-13. Review status: criteria provided, single submitter. Criteria: Invitae Variant Classification Sherloc (09022015). Collection method: clinical testing. Allele origin: germline.
Comment: This sequence change replaces asparagine, which is neutral and polar, with aspartic acid, which is acidic and polar, at codon 162 of the EXOSC8 protein (p.Asn162Asp). This variant is not present in population databases (gnomAD no frequency). This variant has not been reported in the literature in individuals affected with EXOSC8-related conditions. Advanced modeling of protein sequence and biophysical properties (such as structural, functional, and spatial information, amino acid conservation, physicochemical variation, residue mobility, and thermodynamic stability) performed at Invitae indicates that this missense variant is not expected to disrupt EXOSC8 protein function. In summary, the available evidence is currently insufficient to determine the role of this variant in disease. Therefore, it has been classified as a Variant of Uncertain Significance.